The following is an entry in ClinVar:

ClinVar aggregate classification (germline): Pathogenic. Review status: criteria provided, single submitter (1 of 4 stars). 2 submissions from 2 submitters: Pathogenic (1). 1 of the submissions does not count toward it. Last evaluated 2023-07-17.

Conditions:
Developmental and epileptic encephalopathy, 70. Also called: EPILEPTIC ENCEPHALOPATHY, EARLY INFANTILE, 70. Identifiers: MedGen C4749023, MONDO:0032663, OMIM 618298.

Submissions (2):

Victorian Clinical Genetics Services, Murdoch Childrens Research Institute
Classification: Pathogenic for Developmental and epileptic encephalopathy, 70. Last evaluated: 2023-07-17. Review status: criteria provided, single submitter. Criteria: ACMG Guidelines, 2015. Collection method: clinical testing. Allele origin: germline. Inheritance: Autosomal dominant inheritance. Affected: yes.
Comment: Based on the classification scheme VCGS_Germline_v1.3.4, this variant is classified as Pathogenic. Following criteria are met: 0104 - Dominant negative is a likely mechanism of disease in this gene and is associated with developmental and epileptic encephalopathy 70 (MIM#618298). Functional assays have demonstrated that missense variants co-electroporated with wildtype constructs into corticol neurons maintained neuronal migration defects. However, there is also evidence indicating increased PPI binding, suggestive of a gain of function mechanism (PMID: 30256902; PMID: 33463715). (I) 0107 - This gene is associated with autosomal dominant disease. (I) 0200 - Variant is predicted to result in a missense amino acid change from leucine to proline. (I) 0251 - This variant is heterozygous. (I) 0301 - Variant is absent from gnomAD (both v2 and v3). (SP) 0502 - Missense variant with conflicting in silico predictions and uninformative conservation. (I) 0600 - Variant is located in the annotated fourth RPEL region (PMID: 30256902). (I) 0705 - No comparable missense variants have previous evidence for pathogenicity. (I) 0802 - This variant has moderate previous evidence of pathogenicity in unrelated individuals. This variant has been observed as de novo in an individual with infantile spasms and intellectual disability (PMID: 30256902). (SP) 0905 - No published segregation evidence has been identified for this variant. (I) 1002 - This variant has moderate functional evidence supporting abnormal protein function. Transfected COS7 cells have proven this variant results in reduced actin-binding activity (PMID: 30256902). (SP) Legend: (SP) - Supporting pathogenic, (I) - Information, (SB) - Supporting benign

OMIM
Classification: Pathogenic for DEVELOPMENTAL AND EPILEPTIC ENCEPHALOPATHY 70. Last evaluated: 2020-11-25. Review status: no assertion criteria provided. Collection method: literature only. Allele origin: germline. Not counted in ClinVar's aggregate classification.

Literature cited by the submitters: PubMed 30256902 (cited by Victorian Clinical Genetics Services, Murdoch Childrens Research Institute and OMIM); PubMed 33463715 (cited by Victorian Clinical Genetics Services, Murdoch Childrens Research Institute).

NM_030948.6(PHACTR1):c.1499T>C (p.Leu500Pro)

Genes: PHACTR1 (phosphatase and actin regulator 1; plus strand), TBC1D7-LOC100130357 (TBC1D7-LOC100130357 readthrough; minus strand), LOC100130357 (uncharacterized LOC100130357; minus strand), LOC129995804 (ATAC-STARR-seq lymphoblastoid active region 24022; plus strand). Cytogenetic location: 6p24.1.
Variant type: single nucleotide variant.
Coding change: c.1499T>C on transcript NM_030948.6 (MANE Select); coding-DNA position 1499, T replaced by C.
Protein change: p.Leu500Pro; replaces leucine 500 with proline.
Molecular consequence: missense variant. On other transcripts: intron variant (1).
Genome position (GRCh38, 1-based): chr6:13,278,319, T>C. VCF-style: chr6-13278319-T-C. GRCh37 (hg19) VCF-style: chr6-13278551-T-C.
Other names: L500P; c.1499T>C, p.Leu500Pro (NM_001242648.4, NM_001322308.3, NM_001322309.3 and 1 more transcripts); c.1706T>C, p.Leu569Pro (NM_001322310.2); c.1223T>C, p.Leu408Pro (NM_001322311.2, NM_001322312.3, NM_001374583.2); c.1430T>C, p.Leu477Pro (NM_001322313.2); c.1709T>C, p.Leu570Pro (NM_001322314.4); c.*40-10484A>G (NM_001318809.2); short protein forms L408P, L477P, L569P, L570P.
Identifiers: ClinVar variation 617491 (VCV000617491.4), dbSNP rs1562114406, ClinGen allele CA362761529.